The following is an entry in ClinVar:

NM_031433.4(MFRP):c.192C>G (p.Arg64=)

Genes: C1QTNF5 (C1q and TNF related 5; minus strand), MFRP (membrane frizzled-related protein; minus strand). Cytogenetic location: 11q23.3.
Variant type: single nucleotide variant.
Coding change: c.192C>G on transcript NM_031433.4 (MANE Select); coding-DNA position 192, C replaced by G.
Protein change: p.Arg64=; no amino-acid change (arginine 64 retained).
Molecular consequence: synonymous variant. On other transcripts: 5 prime UTR variant (1).
Genome position (GRCh38, 1-based): chr11:119,346,125, G>C on the plus strand (C>G on the coding strand, the complement: MFRP is on the minus strand). VCF-style: chr11-119346125-G-C. GRCh37 (hg19) VCF-style: chr11-119216835-G-C.
Other names: c.-2445C>G (NM_015645.5).
Identifiers: ClinVar variation 302977 (VCV000302977.39), dbSNP rs200143181, ClinGen allele CA6320666.
Genomic context (GRCh38, chr11:119,346,125, plus strand): 5'-CAGCAGCCCAAGCAGCAGGAGGAGCAGGCTGGAGAGCAGGAGGACACAGAGCCAGGAGAA[G>C]CGGCAGTCTGGCCGTAGCCCTCGAGGACGCCGACCTGCGGGTTGGCAGGTGGGGTTTTGA-3'
Protein context (NP_113621.1, residues 54-74): RRPRGLRPDC[Arg64=]FSWLCVLLLS

ClinVar aggregate classification (germline): Conflicting classifications of pathogenicity. Review status: criteria provided, conflicting classifications (1 of 4 stars). 7 submissions from 6 submitters: Uncertain significance (1); Benign (1); Likely benign (4). 1 of the submissions does not count toward it. Last evaluated 2025-10-21.

Conditions:
Retinal dystrophy. Also called: Inherited retinal dystrophy. Identifiers: Orphanet 71862, MedGen C0854723, MeSH D058499, MONDO:0019118, HP:0000556.
C1QTNF5-related disorder. Also called: C1QTNF5-related condition.
Isolated microphthalmia 5. Also called: Posterior Microphthalmia with Retinitis Pigmentosa, Foveoschisis, and Optic Disc Drusen. Identifiers: Orphanet 251279, MedGen C1970236, MONDO:0012605, OMIM 611040.
Late-onset retinal degeneration (LORD). Also called: RETINAL DEGENERATION, LATE-ONSET, AUTOSOMAL DOMINANT. Identifiers: Orphanet 67042, MedGen C1854065, MONDO:0011579, OMIM 605670. Disease mechanism: loss of function.

Allele frequency attached by ClinVar (database versions not stated): gnomAD 0.00027 and 0.00019; gnomAD exomes 0.00054; 1000 Genomes Project 30x 0.00172; TOPMed 0.00023; ExAC 0.00065; 1000 Genomes Project 0.00160.
gnomAD v4.1: 201 of 1,603,890 alleles (0.013%); highest among the groups gnomAD compares: East Asian, 0.38%; no homozygotes.

Submissions (7):

Labcorp Genetics (formerly Invitae), Labcorp
Classification: Benign for Isolated microphthalmia 5. Last evaluated: 2025-10-21. Review status: criteria provided, single submitter. Criteria: Invitae Variant Classification Sherloc (09022015). Collection method: clinical testing. Allele origin: germline.

PreventionGenetics, part of Exact Sciences
Classification: Likely benign for C1QTNF5-related condition. Last evaluated: 2025-03-25. Review status: criteria provided, single submitter. Criteria: ACMG Guidelines, 2015. Collection method: clinical testing. Allele origin: germline.
Comment: This variant is classified as likely benign based on ACMG/AMP sequence variant interpretation guidelines (Richards et al. 2015 PMID: 25741868, with internal and published modifications).

Blueprint Genetics
Classification: Likely benign. Last evaluated: 2024-11-19. Review status: criteria provided, single submitter. Criteria: ACMG Guidelines, 2015. Collection method: clinical testing. Allele origin: germline.

CeGaT Center for Human Genetics Tuebingen
Classification: Likely benign. Last evaluated: 2024-10-01. Review status: criteria provided, single submitter. Criteria: CeGaT Center For Human Genetics Tuebingen Variant Classification Criteria Version 2. Collection method: clinical testing. Allele origin: germline. Affected: yes. Observed: 2 variant alleles.
Comment: MFRP: BP4, BP7

Illumina Laboratory Services, Illumina
Classification: Likely benign for Late-onset retinal degeneration. Last evaluated: 2018-01-13. Review status: criteria provided, single submitter. Criteria: ICSL Variant Classification Criteria 13 December 2019. Collection method: clinical testing. Allele origin: germline.
Comment: This variant was observed in the ICSL laboratory as part of a predisposition screen in an ostensibly healthy population. It had not been previously curated by ICSL or reported in the Human Gene Mutation Database (HGMD: prior to June 1st, 2018), and was therefore a candidate for classification through an automated scoring system. Utilizing variant allele frequency, disease prevalence and penetrance estimates, and inheritance mode, an automated score was calculated to assess if this variant is too frequent to cause the disease. Based on the score and internal cut-off values, a variant classified as likely benign is not then subjected to further curation. The score for this variant resulted in a classification of likely benign for this disease.

Illumina Laboratory Services, Illumina
Classification: Uncertain significance for Isolated microphthalmia 5. Last evaluated: 2017-04-28. Review status: criteria provided, single submitter. Criteria: ICSL Variant Classification Criteria 13 December 2019. Collection method: clinical testing. Allele origin: germline.
Comment: This variant was observed as part of a predisposition screen in an ostensibly healthy population. A literature search was performed for the gene, cDNA change, and amino acid change (where applicable). Publications were found based on this search. However, the evidence from the literature, in combination with allele frequency data from public databases where available, was not sufficient to rule this variant in or out of causing disease. Therefore, this variant is classified as a variant of unknown significance.

Institute of Human Genetics, Univ. Regensburg, Univ. Regensburg
Classification: Uncertain significance for Retinal dystrophy. Last evaluated: 2023-01-01. Review status: no assertion criteria provided. Criteria: ACMG Guidelines, 2015. Collection method: clinical testing. Allele origin: germline. Affected: yes. Not counted in ClinVar's aggregate classification.

Literature cited by the submitters: PubMed 18648522 (cited by Illumina Laboratory Services, Illumina); PubMed 19169412 (cited by Illumina Laboratory Services, Illumina).